The following is an entry in ClinVar:

NM_001999.4(FBN2):c.6895G>A (p.Ala2299Thr)

Gene: FBN2 (fibrillin 2; minus strand). Cytogenetic location: 5q23.3.
Variant type: single nucleotide variant.
Coding change: c.6895G>A on transcript NM_001999.4 (MANE Select); coding-DNA position 6895, G replaced by A.
Protein change: p.Ala2299Thr; replaces alanine 2299 with threonine.
Molecular consequence: missense variant.
Genome position (GRCh38, 1-based): chr5:128,286,835, C>T on the plus strand (G>A on the coding strand, the complement: FBN2 is on the minus strand). VCF-style: chr5-128286835-C-T. GRCh37 (hg19) VCF-style: chr5-127622527-C-T.
Other names: short protein forms A2299T.
Identifiers: ClinVar variation 3632302 (VCV003632302.2).

ClinVar aggregate classification (germline): Uncertain significance (1 of 4 stars; one submission).

Conditions:
Congenital contractural arachnodactyly (CCA). Also called: BEALS SYNDROME; Arthrogryposis, distal, type 9; Beals-Hecht syndrome. Identifiers: Orphanet 115, MedGen C0220668, MONDO:0007363, OMIM 121050.

gnomAD v4.1: 1 of 1,614,092 alleles (0.000062%); highest among the groups gnomAD compares: East Asian, 0.0022%; no homozygotes.

Submission:

Labcorp Genetics (formerly Invitae), Labcorp
Classification: Uncertain significance for Congenital contractural arachnodactyly. Last evaluated: 2024-05-12. Review status: criteria provided, single submitter. Criteria: Invitae Variant Classification Sherloc (09022015). Collection method: clinical testing. Allele origin: germline.
Comment: This sequence change replaces alanine, which is neutral and non-polar, with threonine, which is neutral and polar, at codon 2299 of the FBN2 protein (p.Ala2299Thr). This variant is not present in population databases (gnomAD no frequency). This variant has not been reported in the literature in individuals affected with FBN2-related conditions. Advanced modeling of protein sequence and biophysical properties (such as structural, functional, and spatial information, amino acid conservation, physicochemical variation, residue mobility, and thermodynamic stability) performed at Invitae indicates that this missense variant is not expected to disrupt FBN2 protein function with a negative predictive value of 80%. In summary, the available evidence is currently insufficient to determine the role of this variant in disease. Therefore, it has been classified as a Variant of Uncertain Significance.